The following is an entry in ClinVar:

ClinVar aggregate classification (germline): Benign/Likely benign. Review status: criteria provided, multiple submitters, no conflicts (2 of 4 stars). 6 submissions from 6 submitters: Benign (1); Likely benign (4). 1 of the submissions does not count toward it. Last evaluated 2026-02-01.

Conditions:
FEZF1-related disorder. Also called: FEZF1-related condition.

Allele frequency attached by ClinVar (database versions not stated): 1000 Genomes Project 30x 0.00047; 1000 Genomes Project 0.00060; TOPMed 0.00124; gnomAD 0.00128 and 0.00130; gnomAD exomes 0.00128; ExAC 0.00167; ESP Exome Variant Server 0.00231.
gnomAD v4.1: 3,049 of 1,602,078 alleles (0.19%); highest among the groups gnomAD compares: Middle Eastern, 0.3%; 4 homozygotes.

Submissions (6):

CeGaT Center for Human Genetics Tuebingen
Classification: Likely benign. Last evaluated: 2026-02-01. Review status: criteria provided, single submitter. Criteria: CeGaT Center For Human Genetics Tuebingen Variant Classification Criteria Version 2. Collection method: clinical testing. Allele origin: germline. Affected: yes. Observed: 4 variant alleles.
Comment: FEZF1: BP4, BP7

Labcorp Genetics (formerly Invitae), Labcorp
Classification: Benign. Last evaluated: 2026-01-12. Review status: criteria provided, single submitter. Criteria: Invitae Variant Classification Sherloc (09022015). Collection method: clinical testing. Allele origin: germline.

Blueprint Genetics
Classification: Likely benign. Last evaluated: 2024-11-04. Review status: criteria provided, single submitter. Criteria: ACMG Guidelines, 2015. Collection method: clinical testing. Allele origin: germline.

Women's Health and Genetics/Laboratory Corporation of America, LabCorp
Classification: Likely benign. Last evaluated: 2024-09-17. Review status: criteria provided, single submitter. Criteria: LabCorp Variant Classification Summary - May 2015. Collection method: clinical testing. Allele origin: germline.

GeneDx
Classification: Likely benign. Last evaluated: 2021-07-21. Review status: criteria provided, single submitter. Criteria: GeneDx Variant Classification Process June 2021. Collection method: clinical testing. Allele origin: germline. Affected: yes.

PreventionGenetics, part of Exact Sciences
Classification: Likely benign for FEZF1-related condition. Last evaluated: 2019-12-30. Review status: no assertion criteria provided. Collection method: clinical testing. Allele origin: germline. Not counted in ClinVar's aggregate classification.
Comment: This variant is classified as likely benign based on ACMG/AMP sequence variant interpretation guidelines (Richards et al. 2015 PMID: 25741868, with internal and published modifications).

NM_001024613.4(FEZF1):c.285G>C (p.Pro95=)

Genes: FEZF1 (FEZ family zinc finger 1; minus strand), FEZF1-AS1 (FEZF1 antisense RNA 1; plus strand). Cytogenetic location: 7q31.32.
Variant type: single nucleotide variant.
Coding change: c.285G>C on transcript NM_001024613.4 (MANE Select); coding-DNA position 285, G replaced by C.
Protein change: p.Pro95=; no amino-acid change (proline 95 retained).
Molecular consequence: synonymous variant. On other transcripts: non-coding transcript variant (1).
Genome position (GRCh38, 1-based): chr7:122,304,153, C>G on the plus strand (G>C on the coding strand, the complement: FEZF1 is on the minus strand). VCF-style: chr7-122304153-C-G. GRCh37 (hg19) VCF-style: chr7-121944207-C-G.
Other names: c.285G>C, p.Pro95= (NM_001160264.3).
Identifiers: ClinVar variation 774664 (VCV000774664.37), dbSNP rs151311760, ClinGen allele CA4459013.